The following is an entry in ClinVar:

NM_001022.4(RPS19):c.-1+26G>T

Genes: RPS19 (ribosomal protein S19; plus strand), RPS19-CD79A (RPS19-CD79A readthrough; plus strand). Cytogenetic location: 19q13.2.
Variant type: single nucleotide variant.
Coding change: c.-1+26G>T on transcript NM_001022.4 (MANE Select); 26 bases into the intron after 1 bases upstream of the start codon, G replaced by T.
Molecular consequence: intron variant. On other transcripts: 5 prime UTR variant (1).
Genome position (GRCh38, 1-based): chr19:41,860,315, G>T. VCF-style: chr19-41860315-G-T. GRCh37 (hg19) VCF-style: chr19-42364385-G-T.
Other names: c.-131G>T (NM_001321484.2); c.-1+26G>T (NM_001321485.2).
Identifiers: ClinVar variation 1164625 (VCV001164625.38), dbSNP rs74449035, ClinGen allele CA308588245.
Genomic context (GRCh38, chr19:41,860,315, plus strand): 5'-CCCTTTCCCCTGGCTGGCAGCGCGGAGGCCGCACGGTAAGCGGGGGCTCCGAGCTGGACC[G>T]GGCGCGAGGCGGCAGGGCCGGACGCCGAAGCCTCAGAGCGCGTGCCTGAGGGCCCCGAGG-3'

ClinVar aggregate classification (germline): Benign. Review status: criteria provided, multiple submitters, no conflicts (2 of 4 stars). 2 submissions from 2 submitters: Benign (2). Last evaluated 2023-05-01.

Conditions:
Diamond-Blackfan anemia. Also called: Blackfan Diamond syndrome; Aregenerative anemia chronic congenital; Red cell aplasia, pure hereditary; Congenital hypoplastic anemia; Aase syndrome. Identifiers: Orphanet 124, MedGen C1260899, MeSH D029503, MONDO:0015253, HP:0004810.

Allele frequency attached by ClinVar (database versions not stated): 1000 Genomes Project 0.00060; 1000 Genomes Project 30x 0.00156; gnomAD exomes 0.00283.
gnomAD v4.1: 659 of 154,150 alleles (0.43%); highest among the groups gnomAD compares: Middle Eastern, 1.3%; 2 homozygotes.

Submissions (2):

CeGaT Center for Human Genetics Tuebingen
Classification: Benign. Last evaluated: 2023-05-01. Review status: criteria provided, single submitter. Criteria: CeGaT Center For Human Genetics Tuebingen Variant Classification Criteria Version 2. Collection method: clinical testing. Allele origin: germline. Affected: yes. Observed: 3 variant alleles.
Comment: RPS19: BS1, BS2

Labcorp Genetics (formerly Invitae), Labcorp
Classification: Benign for Diamond-Blackfan anemia. Last evaluated: 2022-08-16. Review status: criteria provided, single submitter. Criteria: Invitae Variant Classification Sherloc (09022015). Collection method: clinical testing. Allele origin: germline.